The following is an entry in ClinVar:

ClinVar aggregate classification (germline): Uncertain significance. Review status: criteria provided, multiple submitters, no conflicts (2 of 4 stars). 2 submissions from 2 submitters: Uncertain significance (2). Last evaluated 2025-04-11.

Conditions:
Inborn genetic diseases. Identifiers: MedGen C0950123, MeSH D030342.
Hyperekplexia 3 (HKPX3). Also called: HYPEREKPLEXIA 3, AUTOSOMAL RECESSIVE; HYPEREKPLEXIA 3, AUTOSOMAL DOMINANT. Identifiers: Orphanet 3197, MedGen C3553288, MONDO:0013827, OMIM 614618.

Allele frequency attached by ClinVar (database versions not stated): TOPMed 0.00003.
gnomAD v4.1: 19 of 1,613,972 alleles (0.0012%); highest among the groups gnomAD compares: Admixed American, 0.01%; no homozygotes.

Submissions (2):

Ambry Genetics
Classification: Uncertain significance for Inborn genetic diseases. Last evaluated: 2025-04-11. Review status: criteria provided, single submitter. Criteria: Ambry Variant Classification Scheme 2023. Collection method: clinical testing. Allele origin: germline.

Labcorp Genetics (formerly Invitae), Labcorp
Classification: Uncertain significance for Hyperekplexia 3. Last evaluated: 2021-11-27. Review status: criteria provided, single submitter. Criteria: Invitae Variant Classification Sherloc (09022015). Collection method: clinical testing. Allele origin: germline.
Comment: This sequence change replaces aspartic acid, which is acidic and polar, with asparagine, which is neutral and polar, at codon 775 of the SLC6A5 protein (p.Asp775Asn). This variant is present in population databases (rs776857479, gnomAD 0.003%). This variant has not been reported in the literature in individuals affected with SLC6A5-related conditions. Advanced modeling of protein sequence and biophysical properties (such as structural, functional, and spatial information, amino acid conservation, physicochemical variation, residue mobility, and thermodynamic stability) performed at Invitae indicates that this missense variant is not expected to disrupt SLC6A5 protein function. In summary, the available evidence is currently insufficient to determine the role of this variant in disease. Therefore, it has been classified as a Variant of Uncertain Significance.

NM_004211.5(SLC6A5):c.2323G>A (p.Asp775Asn)

Gene: SLC6A5 (solute carrier family 6 member 5; plus strand). Cytogenetic location: 11p15.1.
Variant type: single nucleotide variant.
Coding change: c.2323G>A on transcript NM_004211.5 (MANE Select); coding-DNA position 2323, G replaced by A.
Protein change: p.Asp775Asn; replaces aspartic acid 775 with asparagine.
Molecular consequence: missense variant.
Genome position (GRCh38, 1-based): chr11:20,654,797, G>A. VCF-style: chr11-20654797-G-A. GRCh37 (hg19) VCF-style: chr11-20676343-G-A.
Other names: c.1621G>A, p.Asp541Asn (NM_001318369.2); c.2323G>A (NM_004211.3); short protein forms D541N, D775N.
Identifiers: ClinVar variation 1380256 (VCV001380256.4), dbSNP rs776857479, ClinGen allele CA5921774.
Genomic context (GRCh38, chr11:20,654,797, plus strand): 5'-CAGCCGGACTGGGGCCCATTCTTAGCTCAACACCGCGGGGAGCGTTACAAGAACATGATC[G>A]ACCCCTTGGGAACCTCTTCCTTGGGACTCAAACTGCCAGTGAAGGATTTGGAACTGGGCA-3'
Protein context (NP_004202.4, residues 765-785): HRGERYKNMI[Asp775Asn]PLGTSSLGLK